The following is an entry in ClinVar:

NM_017934.7(PHIP):c.1204A>G (p.Ile402Val)

Gene: PHIP (PHIP subunit of CUL4-Ring ligase complex; minus strand). Cytogenetic location: 6q14.1.
Variant type: single nucleotide variant.
Coding change: c.1204A>G on transcript NM_017934.7 (MANE Select); coding-DNA position 1204, A replaced by G.
Protein change: p.Ile402Val; replaces isoleucine 402 with valine.
Molecular consequence: missense variant.
Genome position (GRCh38, 1-based): chr6:79,016,575, T>C on the plus strand (A>G on the coding strand, the complement: PHIP is on the minus strand). VCF-style: chr6-79016575-T-C. GRCh37 (hg19) VCF-style: chr6-79726292-T-C.
Other names: short protein forms I402V.
Identifiers: ClinVar variation 5001824 (VCV005001824.1).

ClinVar aggregate classification (germline): Uncertain significance (1 of 4 stars; one submission).

Conditions:
PHIP-related disorder. Also called: PHIP-related disorders; PHIP-related condition.

gnomAD v4.1: 1 of 1,611,208 alleles (0.000062%); no homozygotes.

Submission:

PreventionGenetics, part of Exact Sciences
Classification: Uncertain significance for PHIP-related condition. Last evaluated: 2025-01-06. Review status: criteria provided, single submitter. Criteria: ACMG Guidelines, 2015. Collection method: clinical testing. Allele origin: germline.
Comment: The PHIP c.1204A>G variant is predicted to result in the amino acid substitution p.Ile402Val. To our knowledge, this variant has not been reported in the literature or in a large population database (gnomAD), indicating this variant is rare. At this time, the clinical significance of this variant is uncertain due to the absence of conclusive functional and genetic evidence.